The following is an entry in ClinVar:

ClinVar aggregate classification (germline): Uncertain significance. Review status: criteria provided, multiple submitters, no conflicts (2 of 4 stars). 2 submissions from 2 submitters: Uncertain significance (2). Last evaluated 2024-06-03.

Conditions:
Inborn genetic diseases. Identifiers: MedGen C0950123, MeSH D030342.

Allele frequency attached by ClinVar (database versions not stated): TOPMed 0.00002; ExAC 0.00003; gnomAD 0.00003; ESP Exome Variant Server 0.00008.

Submissions (2):

GeneDx
Classification: Uncertain significance. Last evaluated: 2024-06-03. Review status: criteria provided, single submitter. Criteria: GeneDx Variant Classification Process June 2021. Collection method: clinical testing. Allele origin: germline. Affected: yes.
Comment: In silico analysis indicates that this missense variant does not alter protein structure/function; Has not been previously published as pathogenic or benign to our knowledge

Ambry Genetics
Classification: Uncertain significance for Inborn genetic diseases. Last evaluated: 2024-01-23. Review status: criteria provided, single submitter. Criteria: Ambry Variant Classification Scheme 2023. Collection method: clinical testing. Allele origin: germline.

NM_020812.4(DOCK6):c.775C>G (p.Gln259Glu)

Gene: DOCK6 (dedicator of cytokinesis 6; minus strand). Cytogenetic location: 19p13.2.
Variant type: single nucleotide variant.
Coding change: c.775C>G on transcript NM_020812.4 (MANE Select); coding-DNA position 775, C replaced by G.
Protein change: p.Gln259Glu; replaces glutamine 259 with glutamic acid.
Molecular consequence: missense variant.
Genome position (GRCh38, 1-based): chr19:11,248,097, G>C on the plus strand (C>G on the coding strand, the complement: DOCK6 is on the minus strand). VCF-style: chr19-11248097-G-C. GRCh37 (hg19) VCF-style: chr19-11358773-G-C.
Other names: c.775C>G, p.Gln259Glu (NM_001367830.1); c.775C>G (NM_020812.3); short protein forms Q259E.
Identifiers: ClinVar variation 3085088 (VCV003085088.2), dbSNP rs372497054, ClinGen allele CA9208348.